The following is an entry in ClinVar:

ClinVar aggregate classification (germline): Uncertain significance (1 of 4 stars; one submission).

Submission:

GeneDx
Classification: Uncertain significance. Last evaluated: 2022-09-07. Review status: criteria provided, single submitter. Criteria: GeneDx Variant Classification Process June 2021. Collection method: clinical testing. Allele origin: germline. Affected: yes.
Comment: Not observed at significant frequency in large population cohorts (gnomAD); In silico analysis supports that this missense variant has a deleterious effect on protein structure/function; Has not been previously published as pathogenic or benign to our knowledge

NM_001330360.2(POLA1):c.3230A>T (p.Lys1077Ile)

Gene: POLA1 (DNA polymerase alpha 1, catalytic subunit; plus strand). Cytogenetic location: Xp22.11.
Variant type: single nucleotide variant.
Coding change: c.3230A>T on transcript NM_001330360.2 (MANE Select); coding-DNA position 3230, A replaced by T.
Protein change: p.Lys1077Ile; replaces lysine 1077 with isoleucine.
Molecular consequence: missense variant. On other transcripts: non-coding transcript variant (2).
Genome position (GRCh38, 1-based): chrX:24,812,797, A>T. VCF-style: chrX-24812797-A-T. GRCh37 (hg19) VCF-style: chrX-24830914-A-T.
Other names: c.3155A>T, p.Lys1052Ile (NM_001378303.1); c.3212A>T, p.Lys1071Ile (NM_016937.4); short protein forms K1052I, K1071I, K1077I.
Identifiers: ClinVar variation 2443629 (VCV002443629.1), dbSNP rs2518669099, ClinGen allele CA412525465.